The following is an entry in ClinVar:

NM_000748.3(CHRNB2):c.262G>A (p.Glu88Lys)

Gene: CHRNB2 (cholinergic receptor nicotinic beta 2 subunit; plus strand). Cytogenetic location: 1q21.3.
Variant type: single nucleotide variant.
Coding change: c.262G>A on transcript NM_000748.3 (MANE Select); coding-DNA position 262, G replaced by A.
Protein change: p.Glu88Lys; replaces glutamic acid 88 with lysine.
Molecular consequence: missense variant.
Genome position (GRCh38, 1-based): chr1:154,570,264, G>A. VCF-style: chr1-154570264-G-A. GRCh37 (hg19) VCF-style: chr1-154542740-G-A.
Other names: short protein forms E88K.
Identifiers: ClinVar variation 1002822 (VCV001002822.8), dbSNP rs1182581432, ClinGen allele CA342629611.
Genomic context (GRCh38, chr1:154,570,264, plus strand): 5'-CTTGAGCCCCACCCAGGGCACAAGTTGGTACTGCCTCCCTCTCTCATTTCCCAGGAGTGG[G>A]AAGATTATCGCCTCACCTGGAAGCCTGAAGAGTTTGACAACATGAAGAAAGTTCGGCTCC-3'
Protein context (NP_000739.1, residues 78-98): TTNVWLTQEW[Glu88Lys]DYRLTWKPEE

ClinVar aggregate classification (germline): Uncertain significance (1 of 4 stars; one submission).

Conditions:
Familial sleep-related hypermotor epilepsy. Also called: Autosomal Dominant Sleep-Related Hypermotor (Hyperkinetic) Epilepsy. Identifiers: Orphanet 98784, MedGen C3696898, MONDO:0000030.

gnomAD v4.1: 1 of 1,609,102 alleles (0.000062%); highest among the groups gnomAD compares: Non-Finnish European, 0.000085%; no homozygotes.

Submission:

Labcorp Genetics (formerly Invitae), Labcorp
Classification: Uncertain significance. Last evaluated: 2020-03-11. Review status: criteria provided, single submitter. Criteria: Invitae Variant Classification Sherloc (09022015). Collection method: clinical testing. Allele origin: germline.
Comment: In summary, the available evidence is currently insufficient to determine the role of this variant in disease. Therefore, it has been classified as a Variant of Uncertain Significance. Algorithms developed to predict the effect of missense changes on protein structure and function (SIFT, PolyPhen-2, Align-GVGD) all suggest that this variant is likely to be tolerated, but these predictions have not been confirmed by published functional studies and their clinical significance is uncertain. This variant has not been reported in the literature in individuals with CHRNB2-related conditions. This variant is not present in population databases (ExAC no frequency). This sequence change replaces glutamic acid with lysine at codon 88 of the CHRNB2 protein (p.Glu88Lys). The glutamic acid residue is moderately conserved and there is a small physicochemical difference between glutamic acid and lysine.